The following is an entry in ClinVar:

ClinVar aggregate classification (germline): Benign/Likely benign. Review status: criteria provided, multiple submitters, no conflicts (2 of 4 stars). 12 submissions from 12 submitters: Benign (7); Likely benign (2). 3 of the submissions do not count toward it. Last evaluated 2026-02-04.

Conditions:
Inborn genetic diseases. Identifiers: MedGen C0950123, MeSH D030342.
Pyridoxal phosphate-responsive seizures (PNPOD). Also called: Pyridoxal 5'-Phosphate (PLP)-Dependent Epilepsy; Pyridoxamine 5-Prime-Phosphate Oxidase Deficiency; EPILEPTIC ENCEPHALOPATHY, NEONATAL, PNPO-RELATED; SEIZURES, PYRIDOXINE-RESISTANT, PLP-SENSITIVE; Pyridoxine-5'-phosphate oxidase deficiency. Identifiers: Orphanet 79096, MedGen C1864723, MONDO:0012407, OMIM 610090. Disease mechanism: loss of function.

Allele frequency attached by ClinVar (database versions not stated): 1000 Genomes Project 30x 0.02795; 1000 Genomes Project 0.02975; TOPMed 0.04529; gnomAD 0.04944 and 0.04963; ESP Exome Variant Server 0.05190; gnomAD exomes 0.05480 and 0.06484; ExAC 0.05580.
gnomAD v4.1: 101,691 of 1,612,942 alleles (6.3%); highest among the groups gnomAD compares: Middle Eastern, 7.4%; 3,593 homozygotes.

Submissions (12):

Labcorp Genetics (formerly Invitae), Labcorp
Classification: Benign for Pyridoxal phosphate-responsive seizures. Last evaluated: 2026-02-04. Review status: criteria provided, single submitter. Criteria: Invitae Variant Classification Sherloc (09022015). Collection method: clinical testing. Allele origin: germline.

Women's Health and Genetics/Laboratory Corporation of America, LabCorp
Classification: Likely benign. Last evaluated: 2021-12-03. Review status: criteria provided, single submitter. Criteria: LabCorp Variant Classification Summary - May 2015. Collection method: clinical testing. Allele origin: germline.

Mayo Clinic Laboratories, Mayo Clinic
Classification: Benign. Last evaluated: 2018-12-17. Review status: criteria provided, single submitter. Criteria: ACMG Guidelines, 2015. Collection method: clinical testing. Allele origin: germline. Observed: 57 variant alleles.

GeneDx
Classification: Benign. Last evaluated: 2018-11-28. Review status: criteria provided, single submitter. Criteria: GeneDx Variant Classification Process June 2021. Collection method: clinical testing. Allele origin: germline. Affected: yes.
Comment: This variant is associated with the following publications: (PMID: 28818555, 28349276, 24645144, 24658933)

Illumina Laboratory Services, Illumina
Classification: Benign for Pyridoxal phosphate-responsive seizures. Last evaluated: 2018-01-13. Review status: criteria provided, single submitter. Criteria: ICSL Variant Classification Criteria 13 December 2019. Collection method: clinical testing. Allele origin: germline.
Comment: This variant was observed in the ICSL laboratory as part of a predisposition screen in an ostensibly healthy population. It had not been previously curated by ICSL or reported in the Human Gene Mutation Database (HGMD: prior to June 1st, 2018), and was therefore a candidate for classification through an automated scoring system. Utilizing variant allele frequency, disease prevalence and penetrance estimates, and inheritance mode, an automated score was calculated to assess if this variant is too frequent to cause the disease. Based on the score and internal cut-off values, a variant classified as benign is not then subjected to further curation. The score for this variant resulted in a classification of benign for this disease.

Ambry Genetics
Classification: Benign for Inborn genetic diseases. Last evaluated: 2016-03-02. Review status: criteria provided, single submitter. Criteria: Ambry Variant Classification Scheme 2023. Collection method: clinical testing. Allele origin: germline.

Eurofins Ntd Llc (ga)
Classification: Benign. Last evaluated: 2015-05-15. Review status: criteria provided, single submitter. Criteria: EGL Classification Definitions 2015. Collection method: clinical testing. Allele origin: germline.

Breakthrough Genomics
Classification: Likely benign. Review status: criteria provided, single submitter. Criteria: ACMG Guidelines, 2015. Collection method: not provided. Allele origin: germline. Inheritance: Autosomal recessive inheritance. Affected: yes.

PreventionGenetics, part of Exact Sciences
Classification: Benign. Review status: criteria provided, single submitter. Criteria: ACMG Guidelines, 2015. Collection method: clinical testing. Allele origin: germline.

Clinical Genetics, Academic Medical Center
Classification: Benign. Review status: no assertion criteria provided. Collection method: clinical testing. Allele origin: germline. Affected: yes. Study: VKGL Data-share Consensus. Not counted in ClinVar's aggregate classification.

Genetic Services Laboratory, University of Chicago
Classification: Likely benign for AllHighlyPenetrant. Review status: no assertion criteria provided. Collection method: clinical testing. Allele origin: germline. Inheritance: Autosomal recessive inheritance. Not counted in ClinVar's aggregate classification.
Comment: Likely benign based on allele frequency in 1000 Genomes Project or ESP global frequency and its presence in a patient with a rare or unrelated disease phenotype. NOT Sanger confirmed.

Genome Diagnostics Laboratory, University Medical Center Utrecht
Classification: Benign. Review status: no assertion criteria provided. Collection method: clinical testing. Allele origin: germline. Affected: yes. Study: VKGL Data-share Consensus. Not counted in ClinVar's aggregate classification.

NM_018129.4(PNPO):c.347G>A (p.Arg116Gln)

Gene: PNPO (pyridoxamine 5'-phosphate oxidase; plus strand). Cytogenetic location: 17q21.32.
Variant type: single nucleotide variant.
Coding change: c.347G>A on transcript NM_018129.4 (MANE Select); coding-DNA position 347, G replaced by A.
Protein change: p.Arg116Gln; replaces arginine 116 with glutamine.
Molecular consequence: missense variant.
Genome position (GRCh38, 1-based): chr17:47,944,699, G>A. VCF-style: chr17-47944699-G-A. GRCh37 (hg19) VCF-style: chr17-46022065-G-A.
Other names: short protein forms R116Q.
Identifiers: ClinVar variation 129981 (VCV000129981.30), dbSNP rs17679445, ClinGen allele CA154714.
Genomic context (GRCh38, chr17:47,944,699, plus strand): 5'-TGTTGCTGCTGAAGGGCTTCGGGAAAGATGGCTTCCGCTTCTTCACTAACTTCGAGAGTC[G>A]AAAAGGAAAAGAGCTGGTGGGTGAAAAGAGCTAGTAATCTTTCCCAGGGCCTGCAGGGTT-3'
Protein context (NP_060599.1, residues 106-126): GFRFFTNFES[Arg116Gln]KGKELDSNPF